The following is an entry in ClinVar:

ClinVar aggregate classification (germline): Uncertain significance (1 of 4 stars; one submission).

Submission:

Labcorp Genetics (formerly Invitae), Labcorp
Classification: Uncertain significance. Last evaluated: 2024-02-24. Review status: criteria provided, single submitter. Criteria: Invitae Variant Classification Sherloc (09022015). Collection method: clinical testing. Allele origin: germline.
Comment: This sequence change replaces glutamine, which is neutral and polar, with glutamic acid, which is acidic and polar, at codon 783 of the AP3B2 protein (p.Gln783Glu). This variant is not present in population databases (gnomAD no frequency). This variant has not been reported in the literature in individuals affected with AP3B2-related conditions. ClinVar contains an entry for this variant (Variation ID: 2012790). An algorithm developed to predict the effect of missense changes on protein structure and function (PolyPhen-2) suggests that this variant is likely to be tolerated. In summary, the available evidence is currently insufficient to determine the role of this variant in disease. Therefore, it has been classified as a Variant of Uncertain Significance.

NM_001278512.2(AP3B2):c.2404C>G (p.Gln802Glu)

Genes: AP3B2 (adaptor related protein complex 3 subunit beta 2; minus strand), CPEB1-AS1 (CPEB1 antisense RNA 1; plus strand). Cytogenetic location: 15q25.2.
Variant type: single nucleotide variant.
Coding change: c.2404C>G on transcript NM_001278512.2 (MANE Select); coding-DNA position 2404, C replaced by G.
Protein change: p.Gln802Glu; replaces glutamine 802 with glutamic acid.
Molecular consequence: missense variant.
Genome position (GRCh38, 1-based): chr15:82,663,833, G>C on the plus strand (C>G on the coding strand, the complement: AP3B2 is on the minus strand). VCF-style: chr15-82663833-G-C. GRCh37 (hg19) VCF-style: chr15-83332585-G-C.
Other names: c.2251C>G, p.Gln751Glu (NM_001278511.2); c.2347C>G, p.Gln783Glu (NM_004644.5); short protein forms Q783E, Q751E, Q802E.
Identifiers: ClinVar variation 2012790 (VCV002012790.4), dbSNP rs2548696675, ClinGen allele CA393310396.